The following is an entry in ClinVar:

NM_001040108.2(MLH3):c.3217G>A (p.Asp1073Asn)

Gene: MLH3 (mutL homolog 3; minus strand). Cytogenetic location: 14q24.3.
Variant type: single nucleotide variant.
Coding change: c.3217G>A on transcript NM_001040108.2 (MANE Select); coding-DNA position 3217, G replaced by A.
Protein change: p.Asp1073Asn; replaces aspartic acid 1073 with asparagine.
Molecular consequence: missense variant.
Genome position (GRCh38, 1-based): chr14:75,046,439, C>T on the plus strand (G>A on the coding strand, the complement: MLH3 is on the minus strand). VCF-style: chr14-75046439-C-T. GRCh37 (hg19) VCF-style: chr14-75513142-C-T.
Other names: p.Asp1073Asn; c.3217G>A, p.Asp1073Asn (NM_014381.3); short protein forms D1073N.
Identifiers: ClinVar variation 416447 (VCV000416447.31), dbSNP rs28756993, ClinGen allele CA7275573.

ClinVar aggregate classification (germline): Benign/Likely benign. Review status: criteria provided, multiple submitters, no conflicts (2 of 4 stars). 11 submissions from 10 submitters: Benign (4); Likely benign (6). 1 of the submissions does not count toward it. Last evaluated 2026-02-02.

Conditions:
Colorectal cancer, hereditary nonpolyposis, type 7. Identifiers: Orphanet 144, MedGen C1858380, MONDO:0013725, OMIM 614385.
Endometrial carcinoma. Also called: Endometrial carcinoma, somatic. Identifiers: MedGen C0476089, MONDO:0002447, OMIM 608089, HP:0012114.

Allele frequency attached by ClinVar (database versions not stated): gnomAD exomes 0.00065 and 0.00157; ExAC 0.00191; gnomAD 0.00522 and 0.00551; ESP Exome Variant Server 0.00531; TOPMed 0.00611; 1000 Genomes Project 30x 0.00765; 1000 Genomes Project 0.00819.

Submissions (11):

Labcorp Genetics (formerly Invitae), Labcorp
Classification: Benign for Colorectal cancer, hereditary nonpolyposis, type 7. Last evaluated: 2026-02-02. Review status: criteria provided, single submitter. Criteria: Invitae Variant Classification Sherloc (09022015). Collection method: clinical testing. Allele origin: germline.

Mayo Clinic Laboratories, Mayo Clinic
Classification: Likely benign. Last evaluated: 2025-06-25. Review status: criteria provided, single submitter. Criteria: ACMG Guidelines, 2015. Collection method: clinical testing. Allele origin: germline. Observed: 4 variant alleles.
Comment: BS1, BS2_moderate

ARUP Laboratories, Molecular Genetics and Genomics, ARUP Laboratories
Classification: Likely benign. Last evaluated: 2025-05-06. Review status: criteria provided, single submitter. Criteria: ARUP Molecular Germline Variant Investigation Process 2024. Collection method: clinical testing. Allele origin: germline.

Center for Genomic Medicine, Rigshospitalet, Copenhagen University Hospital
Classification: Likely benign. Last evaluated: 2025-03-04. Review status: criteria provided, single submitter. Criteria: ACMG Guidelines, 2015. Collection method: clinical testing. Allele origin: germline.

KCCC/NGS Laboratory, Kuwait Cancer Control Center
Classification: Benign for Endometrial carcinoma. Last evaluated: 2025-02-01. Review status: criteria provided, single submitter. Criteria: ACMG Guidelines, 2015. Collection method: clinical testing. Allele origin: germline. Affected: no.

Blueprint Genetics
Classification: Likely benign. Last evaluated: 2024-09-09. Review status: criteria provided, single submitter. Criteria: ACMG Guidelines, 2015. Collection method: clinical testing. Allele origin: germline.

KCCC/NGS Laboratory, Kuwait Cancer Control Center
Classification: Benign for Colorectal cancer, hereditary nonpolyposis, type 7. Last evaluated: 2023-07-07. Review status: criteria provided, single submitter. Criteria: ACMG Guidelines, 2015. Collection method: clinical testing. Allele origin: germline. Affected: yes.

Ambry Genetics
Classification: Benign. Last evaluated: 2020-06-24. Review status: criteria provided, single submitter. Criteria: Ambry Variant Classification Scheme 2023. Collection method: clinical testing. Allele origin: germline.

Illumina Laboratory Services, Illumina
Classification: Likely benign for Colorectal cancer, hereditary nonpolyposis, type 7. Last evaluated: 2018-01-13. Review status: criteria provided, single submitter. Criteria: ICSL Variant Classification Criteria 13 December 2019. Collection method: clinical testing. Allele origin: germline.
Comment: This variant was observed in the ICSL laboratory as part of a predisposition screen in an ostensibly healthy population. It had not been previously curated by ICSL or reported in the Human Gene Mutation Database (HGMD: prior to June 1st, 2018), and was therefore a candidate for classification through an automated scoring system. Utilizing variant allele frequency, disease prevalence and penetrance estimates, and inheritance mode, an automated score was calculated to assess if this variant is too frequent to cause the disease. Based on the score and internal cut-off values, a variant classified as likely benign is not then subjected to further curation. The score for this variant resulted in a classification of likely benign for this disease.

Breakthrough Genomics
Classification: Likely benign. Review status: criteria provided, single submitter. Criteria: ACMG Guidelines, 2015. Collection method: not provided. Allele origin: germline. Inheritance: Autosomal dominant inheritance. Affected: yes.

Department of Pathology and Laboratory Medicine, Sinai Health System
Classification: Benign. Review status: no assertion criteria provided. Collection method: clinical testing. Allele origin: unknown. Affected: yes. Study: The Canadian Open Genetics Repository (COGR). Not counted in ClinVar's aggregate classification.
Comment: The MLH3 p.Asp1073Asn variant was identified in 9 of 2462 proband chromosomes (frequency: 0.0037) from individuals with colorectal cancer and was not identified in 186 control chromosomes from healthy individuals (DeRycke_2017_PMID:28944238). The variant was identified in dbSNP (ID: rs28756993), ClinVar (classified as benign by Invitae) and LOVD 3.0 (classified as a variant of uncertain significance by InSiGHT); the variant was not identified in Cosmic. The variant was identified in control databases in 510 of 268318 chromosomes (1 homozygous) at a frequency of 0.001901 increasing the likelihood this could be a low frequency benign variant (Genome Aggregation Database March 6, 2019, v2.1.1, non-cancer). The variant was observed in the following populations: African in 403 of 23614 chromosomes (freq: 0.01707), Latino in 79 of 35098 chromosomes (freq: 0.002251), Other in 5 of 6698 chromosomes (freq: 0.000747), European (non-Finnish) in 21 of 118176 chromosomes (freq: 0.000178), Ashkenazi Jewish in 1 of 9862 chromosomes (freq: 0.000101) and South Asian in 1 of 30524 chromosomes (freq: 0.000033), but was not observed in the East Asian or European (Finnish) populations. The p.Asp1073 residue is conserved in mammals and computational analyses (PolyPhen-2, SIFT, AlignGVGD, BLOSUM, MutationTaster) provide inconsistent predictions regarding the impact to the protein; this information is not very predictive of pathogenicity. The variant occurs outside of the splicing consensus sequence and in silico or computational prediction software programs (SpliceSiteFinder, MaxEntScan, NNSPLICE, GeneSplicer) do not predict a difference in splicing. In summary, based on the above information this variant meets our laboratory's criteria to be classified as benign.